The following is an entry in ClinVar:

NM_000481.4(AMT):c.1082C>T (p.Ala361Val)

Gene: AMT (aminomethyltransferase; minus strand). Cytogenetic location: 3p21.31.
Variant type: single nucleotide variant.
Coding change: c.1082C>T on transcript NM_000481.4 (MANE Select); coding-DNA position 1082, C replaced by T.
Protein change: p.Ala361Val; replaces alanine 361 with valine.
Molecular consequence: missense variant. On other transcripts: non-coding transcript variant (1).
Genome position (GRCh38, 1-based): chr3:49,417,670, G>A on the plus strand (C>T on the coding strand, the complement: AMT is on the minus strand). VCF-style: chr3-49417670-G-A. GRCh37 (hg19) VCF-style: chr3-49455103-G-A.
Other names: c.950C>T, p.Ala317Val (NM_001164710.2); c.914C>T, p.Ala305Val (NM_001164711.2); c.1082C>T, p.Ala361Val (NM_001164712.2); short protein forms A361V, A305V, A317V.
Identifiers: ClinVar variation 462897 (VCV000462897.57), dbSNP rs757293245, ClinGen allele CA2398148.
Genomic context (GRCh38, chr3:49,417,670, plus strand): 5'-CGCACCTCTACCAGCAGCATTGTCCCTGGACGACTGTACTCGCAGGGCACATAACCCATC[G>A]CCACATTCTTCTTCAGAGAGGGGGAGGGGCAGCCACTAGTCACAGTACCTGTCAAGCAAG-3'
Protein context (NP_000472.2, residues 351-371): CPSPSLKKNV[Ala361Val]MGYVPCEYSR

ClinVar aggregate classification (germline): Uncertain significance. Review status: criteria provided, multiple submitters, no conflicts (2 of 4 stars). 8 submissions from 8 submitters: Uncertain significance (7). 1 of the submissions does not count toward it. Last evaluated 2026-01-12.

Conditions:
Glycine encephalopathy. Also called: Nonketotic hyperglycinemia; Non-ketotic hyperglycinemia. Identifiers: Orphanet 407, MedGen C0751748, MONDO:0011612, HP:0008288.
Inborn genetic diseases. Identifiers: MedGen C0950123, MeSH D030342.

Allele frequency attached by ClinVar (database versions not stated): ExAC 0.00003; gnomAD 0.00003; gnomAD exomes 0.00003 and 0.00005; TOPMed 0.00004.
gnomAD v4.1: 52 of 1,613,892 alleles (0.0032%); highest among the groups gnomAD compares: Non-Finnish European, 0.004%; no homozygotes.

Submissions (8):

Labcorp Genetics (formerly Invitae), Labcorp
Classification: Uncertain significance for Glycine encephalopathy. Last evaluated: 2026-01-12. Review status: criteria provided, single submitter. Criteria: Invitae Variant Classification Sherloc (09022015). Collection method: clinical testing. Allele origin: germline.
Comment: This sequence change replaces alanine, which is neutral and non-polar, with valine, which is neutral and non-polar, at codon 361 of the AMT protein (p.Ala361Val). This variant is present in population databases (rs757293245, gnomAD 0.007%). This missense change has been observed in individual(s) with nonketotic hyperglycinemia (PMID: 27362913). ClinVar contains an entry for this variant (Variation ID: 462897). Invitae Evidence Modeling of protein sequence and biophysical properties (such as structural, functional, and spatial information, amino acid conservation, physicochemical variation, residue mobility, and thermodynamic stability) indicates that this missense variant is expected to disrupt AMT protein function with a positive predictive value of 95%. In summary, the available evidence is currently insufficient to determine the role of this variant in disease. Therefore, it has been classified as a Variant of Uncertain Significance.

Ambry Genetics
Classification: Uncertain significance for Inborn genetic diseases. Last evaluated: 2025-12-04. Review status: criteria provided, single submitter. Criteria: Ambry Variant Classification Scheme 2023. Collection method: clinical testing. Allele origin: germline.
Comment: The c.1082C>T (p.A361V) alteration is located in exon 9 (coding exon 9) of the AMT gene. This alteration results from a C to T substitution at nucleotide position 1082, causing the alanine (A) at amino acid position 361 to be replaced by a valine (V). Based on data from gnomAD, the T allele has an overall frequency of 0.005% (12/251314) total alleles studied. The highest observed frequency was 0.008% (9/113674) of European (non-Finnish) alleles. Based on insufficient or conflicting evidence, the clinical significance of this alteration remains unclear.

GeneDx
Classification: Uncertain significance. Last evaluated: 2025-11-15. Review status: criteria provided, single submitter. Criteria: GeneDx Variant Classification Process June 2021. Collection method: clinical testing. Allele origin: germline.
Comment: Reported on the opposite allele (in trans) with a pathogenic variant in a patient with suspected nonketotic hyperglycinemia, but another variant, p.(R73C), was seen on the same allele (in cis) (PMID: 27362913); In silico analysis supports that this missense variant has a deleterious effect on protein structure/function; This variant is associated with the following publications: (PMID: 27362913)

Blueprint Genetics
Classification: Uncertain significance. Last evaluated: 2024-08-22. Review status: criteria provided, single submitter. Criteria: ACMG Guidelines, 2015. Collection method: clinical testing. Allele origin: germline.

CeGaT Center for Human Genetics Tuebingen
Classification: Uncertain significance. Last evaluated: 2023-09-01. Review status: criteria provided, single submitter. Criteria: CeGaT Center For Human Genetics Tuebingen Variant Classification Criteria Version 2. Collection method: clinical testing. Allele origin: germline. Affected: yes. Observed: 6 variant alleles.
Comment: AMT: PM2, BP2

Centre for Mendelian Genomics, University Medical Centre Ljubljana
Classification: Uncertain significance for Glycine encephalopathy 1. Last evaluated: 2020-04-02. Review status: criteria provided, single submitter. Criteria: ACMG Guidelines, 2015. Collection method: clinical testing. Allele origin: unknown. Affected: yes.
Comment: This variant was classified as: Uncertain significance. The available evidence favors the pathogenic nature of this variant, however the currently available data is insufficient to conclusively support its pathogenic nature. Thus this variant is classified as Uncertain significance - favor pathogenic. The following ACMG criteria were applied in classifying this variant: PM2,PP3.

Fulgent Genetics
Classification: Uncertain significance for Glycine encephalopathy 1. Last evaluated: 2018-10-31. Review status: criteria provided, single submitter. Criteria: ACMG Guidelines, 2015. Collection method: clinical testing. Allele origin: unknown.

Natera, Inc.
Classification: Uncertain significance for Non-ketotic hyperglycinemia. Last evaluated: 2020-02-26. Review status: no assertion criteria provided. Collection method: clinical testing. Allele origin: germline. Not counted in ClinVar's aggregate classification.

Literature cited by the submitters: PubMed 27362913 (cited by Labcorp Genetics (formerly Invitae), Labcorp).